The following is an entry in ClinVar:

NM_001849.4(COL6A2):c.1873A>C (p.Ser625Arg)

Gene: COL6A2 (collagen type VI alpha 2 chain; plus strand). Cytogenetic location: 21q22.3.
Variant type: single nucleotide variant.
Coding change: c.1873A>C on transcript NM_001849.4 (MANE Select); coding-DNA position 1873, A replaced by C.
Protein change: p.Ser625Arg; replaces serine 625 with arginine.
Molecular consequence: missense variant.
Genome position (GRCh38, 1-based): chr21:46,125,521, A>C. VCF-style: chr21-46125521-A-C. GRCh37 (hg19) VCF-style: chr21-47545435-A-C.
Other names: c.1873A>C, p.Ser625Arg (NM_058174.3, NM_058175.3); short protein forms S625R.
Identifiers: ClinVar variation 2127991 (VCV002127991.4), dbSNP rs2517016435, ClinGen allele CA410538576.

ClinVar aggregate classification (germline): Uncertain significance (1 of 4 stars; one submission).

Conditions:
Bethlem myopathy 1A. Also called: MYOPATHY, BENIGN CONGENITAL, WITH CONTRACTURES; Bethlem myopathy 1; Bethlem Muscular Dystrophy. Identifiers: Orphanet 610, MedGen CN029274, MONDO:0024530, OMIM 158810.

Submission:

Labcorp Genetics (formerly Invitae), Labcorp
Classification: Uncertain significance for Bethlem myopathy 1A. Last evaluated: 2022-04-26. Review status: criteria provided, single submitter. Criteria: Invitae Variant Classification Sherloc (09022015). Collection method: clinical testing. Allele origin: germline.
Comment: In summary, the available evidence is currently insufficient to determine the role of this variant in disease. Therefore, it has been classified as a Variant of Uncertain Significance. Advanced modeling of protein sequence and biophysical properties (such as structural, functional, and spatial information, amino acid conservation, physicochemical variation, residue mobility, and thermodynamic stability) performed at Invitae indicates that this missense variant is expected to disrupt COL6A2 protein function. This variant has not been reported in the literature in individuals affected with COL6A2-related conditions. This variant is not present in population databases (gnomAD no frequency). This sequence change replaces serine, which is neutral and polar, with arginine, which is basic and polar, at codon 625 of the COL6A2 protein (p.Ser625Arg).